The following is an entry in ClinVar:

NM_002382.5(MAX):c.37-2A>C

Gene: MAX (MYC associated transcriptional regulator X; minus strand). Cytogenetic location: 14q23.3.
Variant type: single nucleotide variant.
Coding change: c.37-2A>C on transcript NM_002382.5 (MANE Select); the canonical splice acceptor site of the intron before coding-DNA position 37, A replaced by C.
Molecular consequence: splice acceptor variant. On other transcripts: synonymous variant (1), non-coding transcript variant (1), intron variant (14).
Genome position (GRCh38, 1-based): chr14:65,101,574, T>G on the plus strand (A>C on the coding strand, the complement: MAX is on the minus strand). VCF-style: chr14-65101574-T-G. GRCh37 (hg19) VCF-style: chr14-65568292-T-G.
Other names: c.58A>C, p.Arg20= (NM_001407114.1); c.36+730A>C (NM_001271069.2, NM_001407095.1, NM_001407110.1 and 9 more transcripts); c.37-2A>C (NM_197957.4, NM_001407094.1, NM_001407104.1 and 6 more transcripts); c.-305+935A>C (NM_001407112.1); c.-238-2A>C (NM_001407106.1, NM_001320415.2, NM_001407105.1); c.-212+730A>C (NM_001407107.1); c.-331-2A>C (NM_001407111.1).
Identifiers: ClinVar variation 3722167 (VCV003722167.2).
Genomic context (GRCh38, chr14:65,101,574, plus strand): 5'-AATAAAAATGAAATGGAGAGTAGGAGACGTACCGCAGATTGAAACCTCGGTTGCTCTTCC[T>G]GGAATAAGAGAGAAAAAAAAAAATAGAAAATATAGAAGTTATTTTTACACTTAACATTCA-3'

ClinVar aggregate classification (germline): Likely pathogenic (1 of 4 stars; one submission).

Conditions:
Hereditary pheochromocytoma and paraganglioma. Also called: Hereditary paragangliomas and pheochromocytomas; Hereditary Paraganglioma-Pheochromocytoma Syndromes; Hereditary pheochromocytoma-paraganglioma. Identifiers: Orphanet 29072, MedGen C4274332, MONDO:0017366.

Submission:

Labcorp Genetics (formerly Invitae), Labcorp
Classification: Likely pathogenic for Hereditary pheochromocytoma and paraganglioma. Last evaluated: 2024-10-03. Review status: criteria provided, single submitter. Criteria: Invitae Variant Classification Sherloc (09022015). Collection method: clinical testing. Allele origin: germline.
Comment: This sequence change affects an acceptor splice site in intron 1 of the MAX gene. It is expected to disrupt RNA splicing. Variants that disrupt the donor or acceptor splice site typically lead to a loss of protein function (PMID: 16199547), and loss-of-function variants in MAX are known to be pathogenic (PMID: 21685915, 26070438). This variant is not present in population databases (gnomAD no frequency). This variant has not been reported in the literature in individuals affected with MAX-related conditions. Algorithms developed to predict the effect of sequence changes on RNA splicing suggest that this variant may disrupt the consensus splice site. In summary, the currently available evidence indicates that the variant is pathogenic, but additional data are needed to prove that conclusively. Therefore, this variant has been classified as Likely Pathogenic.

Literature cited by the submitters: PubMed 16199547; PubMed 21685915; PubMed 26070438.